The following is an entry in ClinVar:

NM_001004334.4(GPR179):c.3509G>A (p.Arg1170Gln)

Gene: GPR179 (G protein-coupled receptor 179; minus strand). Cytogenetic location: 17q12.
Variant type: single nucleotide variant.
Coding change: c.3509G>A on transcript NM_001004334.4 (MANE Select); coding-DNA position 3509, G replaced by A.
Protein change: p.Arg1170Gln; replaces arginine 1170 with glutamine.
Molecular consequence: missense variant.
Genome position (GRCh38, 1-based): chr17:38,330,060, C>T on the plus strand (G>A on the coding strand, the complement: GPR179 is on the minus strand). VCF-style: chr17-38330060-C-T. GRCh37 (hg19) VCF-style: chr17-36485943-C-T.
Other names: short protein forms R1170Q.
Identifiers: ClinVar variation 1484606 (VCV001484606.5), dbSNP rs531239274, ClinGen allele CA290105030.

ClinVar aggregate classification (germline): Uncertain significance (1 of 4 stars; one submission).

Allele frequency attached by ClinVar (database versions not stated): 1000 Genomes Project 30x 0.00016; 1000 Genomes Project 0.00040.
gnomAD v4.1: 47 of 1,614,178 alleles (0.0029%); highest among the groups gnomAD compares: East Asian, 0.076%; no homozygotes.

Submission:

Labcorp Genetics (formerly Invitae), Labcorp
Classification: Uncertain significance. Last evaluated: 2022-08-22. Review status: criteria provided, single submitter. Criteria: Invitae Variant Classification Sherloc (09022015). Collection method: clinical testing. Allele origin: germline.
Comment: This sequence change replaces arginine, which is basic and polar, with glutamine, which is neutral and polar, at codon 1170 of the GPR179 protein (p.Arg1170Gln). This variant is present in population databases (rs531239274, gnomAD 0.07%). This variant has not been reported in the literature in individuals affected with GPR179-related conditions. ClinVar contains an entry for this variant (Variation ID: 1484606). Algorithms developed to predict the effect of missense changes on protein structure and function output the following: SIFT: "Tolerated"; PolyPhen-2: "Benign"; Align-GVGD: "Class C0". The glutamine amino acid residue is found in multiple mammalian species, which suggests that this missense change does not adversely affect protein function. Algorithms developed to predict the effect of sequence changes on RNA splicing suggest that this variant may create or strengthen a splice site. In summary, the available evidence is currently insufficient to determine the role of this variant in disease. Therefore, it has been classified as a Variant of Uncertain Significance.